The following is an entry in ClinVar:

NM_138295.5(PKD1L1):c.3079G>A (p.Val1027Ile)

Gene: PKD1L1 (polycystin 1 like 1, transient receptor potential channel interacting; minus strand). Cytogenetic location: 7p12.3.
Variant type: single nucleotide variant.
Coding change: c.3079G>A on transcript NM_138295.5 (MANE Select); coding-DNA position 3079, G replaced by A.
Protein change: p.Val1027Ile; replaces valine 1027 with isoleucine.
Molecular consequence: missense variant.
Genome position (GRCh38, 1-based): chr7:47,885,812, C>T on the plus strand (G>A on the coding strand, the complement: PKD1L1 is on the minus strand). VCF-style: chr7-47885812-C-T. GRCh37 (hg19) VCF-style: chr7-47925410-C-T.
Other names: short protein forms V1027I.
Identifiers: ClinVar variation 2590007 (VCV002590007.4), dbSNP rs780823412, ClinGen allele CA4253545.

ClinVar aggregate classification (germline): Uncertain significance. Review status: criteria provided, multiple submitters, no conflicts (2 of 4 stars). 3 submissions from 3 submitters: Uncertain significance (2). 1 of the submissions does not count toward it. Last evaluated 2023-07-31.

Conditions:
Inborn genetic diseases. Identifiers: MedGen C0950123, MeSH D030342.
PKD1L1-related disorder. Also called: PKD1L1-related condition.

Allele frequency attached by ClinVar (database versions not stated): ExAC 0.00001; gnomAD 0.00002; TOPMed 0.00002.
gnomAD v4.1: 34 of 1,614,088 alleles (0.0021%); highest among the groups gnomAD compares: Non-Finnish European, 0.0026%; no homozygotes.

Submissions (3):

Ambry Genetics
Classification: Uncertain significance for Inborn genetic diseases. Last evaluated: 2023-07-31. Review status: criteria provided, single submitter. Criteria: Ambry Variant Classification Scheme 2023. Collection method: clinical testing. Allele origin: germline.

GeneDx
Classification: Uncertain significance. Last evaluated: 2023-07-17. Review status: criteria provided, single submitter. Criteria: GeneDx Variant Classification Process June 2021. Collection method: clinical testing. Allele origin: germline. Affected: yes.
Comment: Not observed at significant frequency in large population cohorts (gnomAD); In silico analysis supports that this missense variant does not alter protein structure/function; Has not been previously published as pathogenic or benign to our knowledge

PreventionGenetics, part of Exact Sciences
Classification: Uncertain significance for PKD1L1-related condition. Last evaluated: 2024-04-10. Review status: no assertion criteria provided. Collection method: clinical testing. Allele origin: germline. Not counted in ClinVar's aggregate classification.
Comment: The PKD1L1 c.3079G>A variant is predicted to result in the amino acid substitution p.Val1027Ile. To our knowledge, this variant has not been reported in the literature. This variant is reported in 0.0031% of alleles in individuals of European (Non-Finnish) descent in gnomAD. At this time, the clinical significance of this variant is uncertain due to the absence of conclusive functional and genetic evidence.